The following is an entry in ClinVar:

ClinVar aggregate classification (germline): Uncertain significance (1 of 4 stars; one submission).

Conditions:
Renal cell carcinoma. Identifiers: Orphanet 217071, MedGen C0007134, MeSH D002292, MONDO:0005086, HP:0005584.

Submission:

Labcorp Genetics (formerly Invitae), Labcorp
Classification: Uncertain significance for Renal cell carcinoma. Last evaluated: 2024-12-04. Review status: criteria provided, single submitter. Criteria: Invitae Variant Classification Sherloc (09022015). Collection method: clinical testing. Allele origin: germline.
Comment: This sequence change replaces serine, which is neutral and polar, with phenylalanine, which is neutral and non-polar, at codon 286 of the MET protein (p.Ser286Phe). This variant is not present in population databases (gnomAD no frequency). This variant has not been reported in the literature in individuals affected with MET-related conditions. Invitae Evidence Modeling of protein sequence and biophysical properties (such as structural, functional, and spatial information, amino acid conservation, physicochemical variation, residue mobility, and thermodynamic stability) indicates that this missense variant is expected to disrupt MET protein function with a positive predictive value of 80%. In summary, the available evidence is currently insufficient to determine the role of this variant in disease. Therefore, it has been classified as a Variant of Uncertain Significance.

NM_000245.4(MET):c.857C>T (p.Ser286Phe)

Gene: MET (MET proto-oncogene, receptor tyrosine kinase; plus strand). Cytogenetic location: 7q31.2.
Variant type: single nucleotide variant.
Coding change: c.857C>T on transcript NM_000245.4 (MANE Select); coding-DNA position 857, C replaced by T.
Protein change: p.Ser286Phe; replaces serine 286 with phenylalanine.
Molecular consequence: missense variant. On other transcripts: intron variant (1).
Genome position (GRCh38, 1-based): chr7:116,699,941, C>T. VCF-style: chr7-116699941-C-T. GRCh37 (hg19) VCF-style: chr7-116339995-C-T.
Other names: c.857C>T, p.Ser286Phe (NM_001127500.3, NM_001324401.3); c.-91+27364C>T (NM_001324402.2); short protein forms S286F.
Identifiers: ClinVar variation 3667350 (VCV003667350.2).